The following is an entry in ClinVar:

ClinVar aggregate classification (germline): Uncertain significance. Review status: criteria provided, multiple submitters, no conflicts (2 of 4 stars). 2 submissions from 2 submitters: Uncertain significance (2). Last evaluated 2025-05-31.

Conditions:
Familial cancer of breast. Also called: BREAST CANCER, FAMILIAL; Hereditary breast cancer; hereditary breast carcinoma. Identifiers: Orphanet 227535, MedGen C0346153, MONDO:0016419, OMIM 114480. Disease mechanism: loss of function.
Fanconi anemia complementation group J. Also called: BRIP1-Related Fanconi Anemia. Identifiers: Orphanet 84, MedGen C1836860, MONDO:0012187, OMIM 609054.
Hereditary cancer-predisposing syndrome. Also called: Tumor predisposition; Hereditary neoplastic syndrome; Neoplastic Syndromes, Hereditary; Hereditary Cancer Syndrome. Identifiers: Orphanet 140162, MedGen C0027672, MeSH D009386, MONDO:0015356.

Submissions (2):

Ambry Genetics
Classification: Uncertain significance for Hereditary cancer-predisposing syndrome. Last evaluated: 2025-05-31. Review status: criteria provided, single submitter. Criteria: Ambry Variant Classification Scheme 2023. Collection method: clinical testing. Allele origin: germline.
Comment: The p.K1225T variant (also known as c.3674A>C), located in coding exon 19 of the BRIP1 gene, results from an A to C substitution at nucleotide position 3674. The lysine at codon 1225 is replaced by threonine, an amino acid with similar properties. This amino acid position is conserved. In addition, this alteration is predicted to be tolerated by in silico analysis. Based on the available evidence, the clinical significance of this variant remains unclear.

Labcorp Genetics (formerly Invitae), Labcorp
Classification: Uncertain significance for Familial cancer of breast; Fanconi anemia complementation group J. Last evaluated: 2021-08-26. Review status: criteria provided, single submitter. Criteria: Invitae Variant Classification Sherloc (09022015). Collection method: clinical testing. Allele origin: germline.
Comment: In summary, the available evidence is currently insufficient to determine the role of this variant in disease. Therefore, it has been classified as a Variant of Uncertain Significance. Algorithms developed to predict the effect of missense changes on protein structure and function (SIFT, PolyPhen-2, Align-GVGD) all suggest that this variant is likely to be tolerated. This variant has not been reported in the literature in individuals affected with BRIP1-related conditions. This variant is not present in population databases (ExAC no frequency). This sequence change replaces lysine with threonine at codon 1225 of the BRIP1 protein (p.Lys1225Thr). The lysine residue is weakly conserved and there is a moderate physicochemical difference between lysine and threonine.

NM_032043.3(BRIP1):c.3674A>C (p.Lys1225Thr)

Gene: BRIP1 (BRCA1 interacting DNA helicase 1; minus strand). Cytogenetic location: 17q23.2.
Variant type: single nucleotide variant.
Coding change: c.3674A>C on transcript NM_032043.3 (MANE Select); coding-DNA position 3674, A replaced by C.
Protein change: p.Lys1225Thr; replaces lysine 1225 with threonine.
Molecular consequence: missense variant.
Genome position (GRCh38, 1-based): chr17:61,683,372, T>G on the plus strand (A>C on the coding strand, the complement: BRIP1 is on the minus strand). VCF-style: chr17-61683372-T-G. GRCh37 (hg19) VCF-style: chr17-59760733-T-G.
Other names: c.3674A>C (NM_032043.2); short protein forms K1225T.
Identifiers: ClinVar variation 1377728 (VCV001377728.8), dbSNP rs2144067914, ClinGen allele CA400477852.